The following is an entry in ClinVar:

NM_001184.4(ATR):c.3962A>G (p.Tyr1321Cys)

Gene: ATR (ATR checkpoint kinase; minus strand). Cytogenetic location: 3q23.
Variant type: single nucleotide variant.
Coding change: c.3962A>G on transcript NM_001184.4 (MANE Select); coding-DNA position 3962, A replaced by G.
Protein change: p.Tyr1321Cys; replaces tyrosine 1321 with cysteine.
Molecular consequence: missense variant.
Genome position (GRCh38, 1-based): chr3:142,524,183, T>C on the plus strand (A>G on the coding strand, the complement: ATR is on the minus strand). VCF-style: chr3-142524183-T-C. GRCh37 (hg19) VCF-style: chr3-142243025-T-C.
Other names: c.3770A>G, p.Tyr1257Cys (NM_001354579.2); short protein forms Y1257C, Y1321C.
Identifiers: ClinVar variation 2447372 (VCV002447372.2), dbSNP rs2033273940, ClinGen allele CA354802865.

ClinVar aggregate classification (germline): Uncertain significance (1 of 4 stars; one submission).

Conditions:
Inborn genetic diseases. Identifiers: MedGen C0950123, MeSH D030342.

Allele frequency attached by ClinVar (database versions not stated): gnomAD exomes below 0.00001; gnomAD 0.00001.
gnomAD v4.1: 7 of 1,613,392 alleles (0.00043%); highest among the groups gnomAD compares: African/African-American, 0.0027%; no homozygotes.

Submission:

Ambry Genetics
Classification: Uncertain significance for Inborn genetic diseases. Last evaluated: 2023-01-31. Review status: criteria provided, single submitter. Criteria: Ambry Variant Classification Scheme 2023. Collection method: clinical testing. Allele origin: germline.
Comment: The p.Y1321C variant (also known as c.3962A>G), located in coding exon 22 of the ATR gene, results from an A to G substitution at nucleotide position 3962. The tyrosine at codon 1321 is replaced by cysteine, an amino acid with highly dissimilar properties. This amino acid position is conserved. In addition, the in silico prediction for this alteration is inconclusive. Since supporting evidence is limited at this time, the clinical significance of this alteration remains unclear.